The following is an entry in ClinVar:

NM_006080.3(SEMA3A):c.476A>G (p.Asn159Ser)

Gene: SEMA3A (semaphorin 3A; minus strand). Cytogenetic location: 7q21.11.
Variant type: single nucleotide variant.
Coding change: c.476A>G on transcript NM_006080.3 (MANE Select); coding-DNA position 476, A replaced by G.
Protein change: p.Asn159Ser; replaces asparagine 159 with serine.
Molecular consequence: missense variant.
Genome position (GRCh38, 1-based): chr7:84,060,536, T>C on the plus strand (A>G on the coding strand, the complement: SEMA3A is on the minus strand). VCF-style: chr7-84060536-T-C. GRCh37 (hg19) VCF-style: chr7-83689852-T-C.
Other names: short protein forms N159S.
Identifiers: ClinVar variation 3952056 (VCV003952056.2).

ClinVar aggregate classification (germline): Uncertain significance. Review status: criteria provided, multiple submitters, no conflicts (2 of 4 stars). 2 submissions from 2 submitters: Uncertain significance (2). Last evaluated 2026-05-29.

Conditions:
SEMA3A-related disorder. Also called: SEMA3A-related condition.
Inborn genetic diseases. Identifiers: MedGen C0950123, MeSH D030342.

gnomAD v4.1: 20 of 1,593,586 alleles (0.0013%); highest among the groups gnomAD compares: African/African-American, 0.026%; no homozygotes.

Submissions (2):

PreventionGenetics, part of Exact Sciences
Classification: Uncertain significance for SEMA3A-related condition. Last evaluated: 2026-05-29. Review status: criteria provided, single submitter. Criteria: ACMG Guidelines, 2015. Collection method: clinical testing. Allele origin: germline.
Comment: The SEMA3A c.476A>G variant is predicted to result in the amino acid substitution p.Asn159Ser. In an alternate transcript (NM_170735.5), this variant is found within a non-coding region (c.-15573C>A). To our knowledge, this variant has not been reported in the literature. This variant is reported in 0.021% of alleles in individuals of African descent in gnomAD. Although we suspect that this variant may be benign, at this time, the clinical significance of this variant is uncertain due to the absence of conclusive functional and genetic evidence.

Ambry Genetics
Classification: Uncertain significance for Inborn genetic diseases. Last evaluated: 2025-05-14. Review status: criteria provided, single submitter. Criteria: Ambry Variant Classification Scheme 2023. Collection method: clinical testing. Allele origin: germline.